The following is an entry in ClinVar:

NM_021160.3(ABHD16A):c.1453A>G (p.Ile485Val)

Gene: ABHD16A (abhydrolase domain containing 16A, phospholipase; minus strand). Cytogenetic location: 6p21.33.
Variant type: single nucleotide variant.
Coding change: c.1453A>G on transcript NM_021160.3 (MANE Select); coding-DNA position 1453, A replaced by G.
Protein change: p.Ile485Val; replaces isoleucine 485 with valine.
Molecular consequence: missense variant. On other transcripts: non-coding transcript variant (2).
Genome position (GRCh38, 1-based): chr6:31,687,735, T>C on the plus strand (A>G on the coding strand, the complement: ABHD16A is on the minus strand). VCF-style: chr6-31687735-T-C. GRCh37 (hg19) VCF-style: chr6-31655512-T-C.
Other names: c.1354A>G, p.Ile452Val (NM_001177515.2); short protein forms I452V, I485V.
Identifiers: ClinVar variation 2411220 (VCV002411220.6), dbSNP rs139650138, ClinGen allele CA3719109.

ClinVar aggregate classification (germline): Conflicting classifications of pathogenicity. Review status: criteria provided, conflicting classifications (1 of 4 stars). 2 submissions from 2 submitters: Uncertain significance (1); Likely benign (1). Last evaluated 2026-02-01.

Conditions:
Inborn genetic diseases. Identifiers: MedGen C0950123, MeSH D030342.

Allele frequency attached by ClinVar (database versions not stated): gnomAD 0.00019; ExAC 0.00021; TOPMed 0.00021; gnomAD exomes 0.00024; ESP Exome Variant Server 0.00036.
gnomAD v4.1: 386 of 1,612,706 alleles (0.024%); highest among the groups gnomAD compares: Non-Finnish European, 0.027%; no homozygotes.

Submissions (2):

CeGaT Center for Human Genetics Tuebingen
Classification: Uncertain significance. Last evaluated: 2026-02-01. Review status: criteria provided, single submitter. Criteria: CeGaT Center For Human Genetics Tuebingen Variant Classification Criteria Version 2. Collection method: clinical testing. Allele origin: germline. Affected: yes. Observed: 1 variant allele.
Comment: ABHD16A: PM2, BP1, BP4

Ambry Genetics
Classification: Likely benign for Inborn genetic diseases. Last evaluated: 2021-08-12. Review status: criteria provided, single submitter. Criteria: Ambry Variant Classification Scheme 2023. Collection method: clinical testing. Allele origin: germline.